The following is an entry in ClinVar:

NM_020702.5(MYORG):c.1392G>T (p.Ala464=)

Gene: MYORG (myogenesis regulating glycosidase; minus strand). Cytogenetic location: 9p13.3.
Variant type: single nucleotide variant.
Coding change: c.1392G>T on transcript NM_020702.5 (MANE Select); coding-DNA position 1392, G replaced by T.
Protein change: p.Ala464=; no amino-acid change (alanine 464 retained).
Molecular consequence: synonymous variant.
Genome position (GRCh38, 1-based): chr9:34,371,552, C>A on the plus strand (G>T on the coding strand, the complement: MYORG is on the minus strand). VCF-style: chr9-34371552-C-A. GRCh37 (hg19) VCF-style: chr9-34371550-C-A.
Identifiers: ClinVar variation 4534490 (VCV004534490.6).

ClinVar aggregate classification (germline): Likely benign (1 of 4 stars; one submission).

gnomAD v4.1: 1 of 1,605,094 alleles (0.000062%); no homozygotes.

Submission:

CeGaT Center for Human Genetics Tuebingen
Classification: Likely benign. Last evaluated: 2025-11-01. Review status: criteria provided, single submitter. Criteria: CeGaT Center For Human Genetics Tuebingen Variant Classification Criteria Version 2. Collection method: clinical testing. Allele origin: germline. Affected: yes. Observed: 1 variant allele.
Comment: MYORG: BP4, BP7